The following is an entry in ClinVar:

NM_002485.5(NBN):c.1503G>T (p.Trp501Cys)

Gene: NBN (nibrin; minus strand). Cytogenetic location: 8q21.3.
Variant type: single nucleotide variant.
Coding change: c.1503G>T on transcript NM_002485.5 (MANE Select); coding-DNA position 1503, G replaced by T.
Protein change: p.Trp501Cys; replaces tryptophan 501 with cysteine.
Molecular consequence: missense variant.
Genome position (GRCh38, 1-based): chr8:89,953,586, C>A on the plus strand (G>T on the coding strand, the complement: NBN is on the minus strand). VCF-style: chr8-89953586-C-A. GRCh37 (hg19) VCF-style: chr8-90965814-C-A.
Other names: c.1257G>T, p.Trp419Cys (NM_001024688.3); short protein forms W419C, W501C.
Identifiers: ClinVar variation 2121260 (VCV002121260.4), dbSNP rs2488233211, ClinGen allele CA371655722.

ClinVar aggregate classification (germline): Uncertain significance (1 of 4 stars; one submission).

Conditions:
Microcephaly, normal intelligence and immunodeficiency (NBS). Also called: Nijmegen breakage syndrome; Microcephaly with normal intelligence immunodeficiency and lymphoreticular malignancies; Nonsyndromal microcephaly autosomal recessive with normal intelligence; Seemanova syndrome 2; Immunodeficiency, microcephaly with normal intelligence; Ataxia telangiectasia variant V1. Identifiers: Orphanet 647, MedGen C0398791, MONDO:0009623, OMIM 251260.

Allele frequency attached by ClinVar (database versions not stated): gnomAD exomes below 0.00001.
gnomAD v4.1: 2 of 1,613,624 alleles (0.00012%); highest among the groups gnomAD compares: South Asian, 0.0011%; no homozygotes.

Submission:

Labcorp Genetics (formerly Invitae), Labcorp
Classification: Uncertain significance for Microcephaly, normal intelligence and immunodeficiency. Last evaluated: 2022-05-09. Review status: criteria provided, single submitter. Criteria: Invitae Variant Classification Sherloc (09022015). Collection method: clinical testing. Allele origin: germline.
Comment: This sequence change replaces tryptophan, which is neutral and slightly polar, with cysteine, which is neutral and slightly polar, at codon 501 of the NBN protein (p.Trp501Cys). This variant is not present in population databases (gnomAD no frequency). Algorithms developed to predict the effect of missense changes on protein structure and function output the following: SIFT: "Tolerated"; PolyPhen-2: "Benign"; Align-GVGD: "Class C0". The cysteine amino acid residue is found in multiple mammalian species, which suggests that this missense change does not adversely affect protein function. This variant has not been reported in the literature in individuals affected with NBN-related conditions. Algorithms developed to predict the effect of sequence changes on RNA splicing suggest that this variant may disrupt the consensus splice site. In summary, the available evidence is currently insufficient to determine the role of this variant in disease. Therefore, it has been classified as a Variant of Uncertain Significance.